The following is an entry in ClinVar:

ClinVar aggregate classification (germline): Uncertain significance (1 of 4 stars; one submission).

Submission:

GeneDx
Classification: Uncertain significance. Last evaluated: 2024-02-23. Review status: criteria provided, single submitter. Criteria: GeneDx Variant Classification Process June 2021. Collection method: clinical testing. Allele origin: germline. Affected: yes.
Comment: Not observed at significant frequency in large population cohorts (gnomAD); In silico analysis supports that this missense variant has a deleterious effect on protein structure/function; Has not been previously published as pathogenic or benign to our knowledge

NM_004046.6(ATP5F1A):c.1025T>G (p.Phe342Cys)

Gene: ATP5F1A (ATP synthase F1 subunit alpha; minus strand). Cytogenetic location: 18q21.1.
Variant type: single nucleotide variant.
Coding change: c.1025T>G on transcript NM_004046.6 (MANE Select); coding-DNA position 1025, T replaced by G.
Protein change: p.Phe342Cys; replaces phenylalanine 342 with cysteine.
Molecular consequence: missense variant.
Genome position (GRCh38, 1-based): chr18:46,087,159, A>C on the plus strand (T>G on the coding strand, the complement: ATP5F1A is on the minus strand). VCF-style: chr18-46087159-A-C. GRCh37 (hg19) VCF-style: chr18-43667125-A-C.
Other names: c.875T>G, p.Phe292Cys (NM_001001935.3, NM_001257335.2); c.1025T>G, p.Phe342Cys (NM_001001937.2); c.959T>G, p.Phe320Cys (NM_001257334.2); short protein forms F292C, F320C, F342C.
Identifiers: ClinVar variation 3369520 (VCV003369520.1).